The following is an entry in ClinVar:

Conditions:
Breast-ovarian cancer, familial, susceptibility to, 1 (BROVCA1). Also called: BRCA1 Hereditary Breast and Ovarian Cancer; OVARIAN CANCER, SUSCEPTIBILITY TO. Identifiers: Orphanet 145, MedGen C2676676, MONDO:0011450, OMIM 604370. Disease mechanism: loss of function.

Allele frequency attached by ClinVar (database versions not stated): gnomAD exomes below 0.00001.

Submission:

Brotman Baty Institute, University of Washington
No classification provided (evidence only). Condition: Breast-ovarian cancer, familial 1. Review status: no classification provided. Collection method: in vitro. Allele origin: not applicable. Functional consequence: functionally_normal.
ClinVar note: "not provided" was previously submitted as the classification for the variant. However, the classification appeared to be based only on an observation of functional data so it was converted to no classification on 2025-07-30.

NM_007294.4(BRCA1):c.4987A>G (p.Met1663Val)

Gene: BRCA1 (BRCA1 DNA repair associated; minus strand). Cytogenetic location: 17q21.31.
Variant type: single nucleotide variant.
Coding change: c.4987A>G on transcript NM_007294.4 (MANE Select); coding-DNA position 4987, A replaced by G.
Protein change: p.Met1663Val; replaces methionine 1663 with valine.
Molecular consequence: missense variant. On other transcripts: non-coding transcript variant (1).
Genome position (GRCh38, 1-based): chr17:43,067,695, T>C on the plus strand (A>G on the coding strand, the complement: BRCA1 is on the minus strand). VCF-style: chr17-43067695-T-C. GRCh37 (hg19) VCF-style: chr17-41219712-T-C.
Other names: c.4774A>G, p.Met1592Val (NM_001407571.1, NM_001407896.1, NM_001407897.1 and 12 more transcripts); c.5053A>G, p.Met1685Val (NM_001407581.1, NM_001407582.1); c.5050A>G, p.Met1684Val (NM_001407583.1, NM_001407585.1, NM_001407587.1 and 1 more transcripts); c.5047A>G, p.Met1683Val (NM_001407590.1, NM_001407591.1); c.4987A>G, p.Met1663Val (NM_001407593.1, NM_001407594.1, NM_001407596.1 and 8 more transcripts); c.4984A>G, p.Met1662Val (NM_001407610.1, NM_001407611.1, NM_001407612.1 and 17 more transcripts); c.4981A>G, p.Met1661Val (NM_001407627.1, NM_001407628.1, NM_001407629.1 and 14 more transcripts); c.4978A>G, p.Met1660Val (NM_001407645.1, NM_001407644.1); and 70 more; short protein forms M1663V, M559V, M1684V, M1616V, M1366V, M1509V, M1550V, M1591V.
Identifiers: ClinVar variation 868094 (VCV000868094.3), dbSNP rs80357117, ClinGen allele CA10591543.